The following is an entry in ClinVar:

NM_000179.3(MSH6):c.280G>C (p.Asp94His)

Gene: MSH6 (mutS homolog 6; plus strand). Cytogenetic location: 2p16.3.
Variant type: single nucleotide variant.
Coding change: c.280G>C on transcript NM_000179.3 (MANE Select); coding-DNA position 280, G replaced by C.
Protein change: p.Asp94His; replaces aspartic acid 94 with histidine.
Molecular consequence: missense variant. On other transcripts: 5 prime UTR variant (2), intron variant (1).
Genome position (GRCh38, 1-based): chr2:47,790,946, G>C. VCF-style: chr2-47790946-G-C. GRCh37 (hg19) VCF-style: chr2-48018085-G-C.
Other names: c.-457G>C (NM_001281493.2); c.-623G>C (NM_001281494.2); c.237+7476G>C (NM_001281492.2); short protein forms D94H.
Identifiers: ClinVar variation 483837 (VCV000483837.5), dbSNP rs1553410216, ClinGen allele CA346736569.

ClinVar aggregate classification (germline): Uncertain significance (1 of 4 stars; one submission).

Conditions:
Hereditary cancer-predisposing syndrome. Also called: Neoplastic Syndromes, Hereditary; Tumor predisposition; Hereditary Cancer Syndrome; Hereditary neoplastic syndrome. Identifiers: Orphanet 140162, MedGen C0027672, MeSH D009386, MONDO:0015356.

Submission:

Ambry Genetics
Classification: Uncertain significance for Hereditary cancer-predisposing syndrome. Last evaluated: 2017-02-16. Review status: criteria provided, single submitter. Criteria: Ambry Variant Classification Scheme 2023. Collection method: clinical testing. Allele origin: germline.
Comment: The p.D94H variant (also known as c.280G>C), located in coding exon 2 of the MSH6 gene, results from a G to C substitution at nucleotide position 280. The aspartic acid at codon 94 is replaced by histidine, an amino acid with similar properties. This amino acid position is well conserved in available vertebrate species. In addition, the in silico prediction for this alteration is inconclusive. In addition, the CoDP in silico tool predicts this alteration to have minor impact on molecular function, with a score of 0.007 (Terui H et al. J. Biomed. Sci. 2013 Apr;20:25). Since supporting evidence is limited at this time, the clinical significance of this alteration remains unclear.